The following is an entry in ClinVar:

NM_022124.6(CDH23):c.3106+36C>G

Gene: CDH23 (cadherin related 23; plus strand). Cytogenetic location: 10q22.1.
Variant type: single nucleotide variant.
Coding change: c.3106+36C>G on transcript NM_022124.6 (MANE Select); 36 bases into the intron after coding-DNA position 3106, C replaced by G.
Molecular consequence: intron variant. On other transcripts: missense variant (1).
Genome position (GRCh38, 1-based): chr10:71,707,085, C>G. VCF-style: chr10-71707085-C-G. GRCh37 (hg19) VCF-style: chr10-73466842-C-G.
Other names: c.3142C>G, p.Pro1048Ala (NM_001171931.2); c.3106+36C>G (NM_001171930.2); c.3142C>G (NM_001171931.1); short protein forms P1048A.
Identifiers: ClinVar variation 4907846 (VCV004907846.2).

ClinVar aggregate classification (germline): Conflicting classifications of pathogenicity. Review status: criteria provided, conflicting classifications (1 of 4 stars). 2 submissions from 2 submitters: Uncertain significance (1); Likely benign (1). Last evaluated 2025-05-06.

Conditions:
CDH23-related disorder. Also called: CDH23-related disorders; CDH23-related condition.

gnomAD v4.1: 54 of 1,579,316 alleles (0.0034%); highest among the groups gnomAD compares: African/African-American, 0.05%; no homozygotes.

Submissions (2):

PreventionGenetics, part of Exact Sciences
Classification: Uncertain significance for CDH23-related condition. Last evaluated: 2025-05-06. Review status: criteria provided, single submitter. Criteria: ACMG Guidelines, 2015. Collection method: clinical testing. Allele origin: germline.
Comment: The CDH23 c.3142C>G variant is predicted to result in the amino acid substitution p.Pro1048Ala. To our knowledge, this variant has not been reported in the literature. This variant is reported in 0.057% of alleles in individuals of African descent in gnomAD, which may be too frequent to be an undocumented primary cause of disease. Additionally, note that in the primary transcript listed in the Human Gene Mutation Database (HGMD), this variant is listed as intronic (c.3106+36C>G, NM_022124.6). Although we suspect that this variant may be benign, at this time, the clinical significance of this variant is uncertain due to the absence of conclusive functional and genetic evidence.

Blueprint Genetics
Classification: Likely benign. Last evaluated: 2023-06-13. Review status: criteria provided, single submitter. Criteria: ACMG Guidelines, 2015. Collection method: clinical testing. Allele origin: germline.